The following is an entry in ClinVar:

ClinVar aggregate classification (germline): Uncertain significance. Review status: criteria provided, multiple submitters, no conflicts (2 of 4 stars). 3 submissions from 3 submitters: Uncertain significance (3). Last evaluated 2025-02-07.

Conditions:
Catecholaminergic polymorphic ventricular tachycardia 1. Also called: VENTRICULAR TACHYCARDIA, CATECHOLAMINERGIC POLYMORPHIC, 1, WITH OR WITHOUT ATRIAL DYSFUNCTION AND/OR DILATED CARDIOMYOPATHY; VENTRICULAR TACHYCARDIA, STRESS-INDUCED POLYMORPHIC 1; RYR2-Related Catecholaminergic Polymorphic Ventricular Tachycardia. Identifiers: Orphanet 3286, MedGen C1631597, MONDO:0011484, OMIM 604772.
Catecholaminergic polymorphic ventricular tachycardia (CVPT). Also called: Catecholamine-induced polymorphic ventricular tachycardia. Identifiers: Orphanet 3286, MedGen C5574922, MONDO:0017990.
Cardiovascular phenotype. Identifiers: MedGen CN230736.

Allele frequency attached by ClinVar (database versions not stated): gnomAD exomes below 0.00001.
gnomAD v4.1: 2 of 1,611,604 alleles (0.00012%); highest among the groups gnomAD compares: South Asian, 0.0011%; no homozygotes.

Submissions (3):

Ambry Genetics
Classification: Uncertain significance for Cardiovascular phenotype. Last evaluated: 2025-02-07. Review status: criteria provided, single submitter. Criteria: Ambry Variant Classification Scheme 2023. Collection method: clinical testing. Allele origin: germline.
Comment: The p.H2000R variant (also known as c.5999A>G), located in coding exon 39 of the RYR2 gene, results from an A to G substitution at nucleotide position 5999. The histidine at codon 2000 is replaced by arginine, an amino acid with highly similar properties. This amino acid position is highly conserved in available vertebrate species. In addition, the in silico prediction for this alteration is inconclusive. Based on the available evidence, the clinical significance of this variant remains unclear.

Labcorp Genetics (formerly Invitae), Labcorp
Classification: Uncertain significance for Catecholaminergic polymorphic ventricular tachycardia 1. Last evaluated: 2024-08-15. Review status: criteria provided, single submitter. Criteria: Invitae Variant Classification Sherloc (09022015). Collection method: clinical testing. Allele origin: germline.
Comment: This sequence change replaces histidine, which is basic and polar, with arginine, which is basic and polar, at codon 2000 of the RYR2 protein (p.His2000Arg). This variant is not present in population databases (gnomAD no frequency). This variant has not been reported in the literature in individuals affected with RYR2-related conditions. ClinVar contains an entry for this variant (Variation ID: 851368). Invitae Evidence Modeling of protein sequence and biophysical properties (such as structural, functional, and spatial information, amino acid conservation, physicochemical variation, residue mobility, and thermodynamic stability) indicates that this missense variant is not expected to disrupt RYR2 protein function with a negative predictive value of 95%. In summary, the available evidence is currently insufficient to determine the role of this variant in disease. Therefore, it has been classified as a Variant of Uncertain Significance.

All of Us Research Program, National Institutes of Health
Classification: Uncertain significance for Catecholaminergic polymorphic ventricular tachycardia. Last evaluated: 2023-10-06. Review status: criteria provided, single submitter. Criteria: ACMG Guidelines, 2015. Collection method: clinical testing. Allele origin: germline. Inheritance: Autosomal dominant inheritance. Observed: 1 variant allele, 1 heterozygote.
Comment: This missense variant replaces histidine with arginine at codon 2000 of the RYR2 protein. Computational prediction is inconclusive regarding the impact of this variant on protein structure and function (internally defined REVEL score threshold 0.5 < inconclusive < 0.7, PMID: 27666373). To our knowledge, functional studies have not been reported for this variant. This variant has not been reported in individuals affected with RYR2-related disorders in the literature. This variant has not been identified in the general population by the Genome Aggregation Database (gnomAD). The available evidence is insufficient to determine the role of this variant in disease conclusively. Therefore, this variant is classified as a Variant of Uncertain Significance.

This study involves interpretation of variants in research participants for the purpose of population health screening. Participant phenotype was not available at the time of variant classification. Additional details can be found in publication PMID: 35346344, PMCID: PMC8962531

NM_001035.3(RYR2):c.5999A>G (p.His2000Arg)

Gene: RYR2 (ryanodine receptor 2; plus strand). Cytogenetic location: 1q43.
Variant type: single nucleotide variant.
Coding change: c.5999A>G on transcript NM_001035.3 (MANE Select); coding-DNA position 5999, A replaced by G.
Protein change: p.His2000Arg; replaces histidine 2000 with arginine.
Molecular consequence: missense variant.
Genome position (GRCh38, 1-based): chr1:237,623,847, A>G. VCF-style: chr1-237623847-A-G. GRCh37 (hg19) VCF-style: chr1-237787147-A-G.
Other names: short protein forms H2000R.
Identifiers: ClinVar variation 851368 (VCV000851368.13), dbSNP rs1679359996, ClinGen allele CA345408315.